The following is an entry in ClinVar:

NM_031407.7(HUWE1):c.6362A>C (p.Gln2121Pro)

Gene: HUWE1 (HECT, UBA and WWE domain containing E3 ubiquitin protein ligase 1; minus strand). Cytogenetic location: Xp11.22.
Variant type: single nucleotide variant.
Coding change: c.6362A>C on transcript NM_031407.7 (MANE Select); coding-DNA position 6362, A replaced by C.
Protein change: p.Gln2121Pro; replaces glutamine 2121 with proline.
Molecular consequence: missense variant.
Genome position (GRCh38, 1-based): chrX:53,569,778, T>G on the plus strand (A>C on the coding strand, the complement: HUWE1 is on the minus strand). VCF-style: chrX-53569778-T-G. GRCh37 (hg19) VCF-style: chrX-53596738-T-G.
Other names: short protein forms Q2121P.
Identifiers: ClinVar variation 1343921 (VCV001343921.3), dbSNP rs1266542632, ClinGen allele CA413165672.

ClinVar aggregate classification (germline): Uncertain significance. Review status: criteria provided, multiple submitters, no conflicts (2 of 4 stars). 2 submissions from 2 submitters: Uncertain significance (2). Last evaluated 2023-08-25.

Allele frequency attached by ClinVar (database versions not stated): gnomAD exomes below 0.00001; gnomAD 0.00001; TOPMed 0.00001.
gnomAD v4.1: 2 of 1,210,779 alleles (0.00017%); highest among the groups gnomAD compares: Non-Finnish European, 0.00022%; no homozygotes.

Submissions (2):

Greenwood Genetic Center Diagnostic Laboratories, Greenwood Genetic Center
Classification: Uncertain significance. Last evaluated: 2023-08-25. Review status: criteria provided, single submitter. Criteria: ACMG Guidelines, 2015. Collection method: clinical testing. Allele origin: germline. Affected: yes.
Comment: PM2, PP2

GeneDx
Classification: Uncertain significance. Last evaluated: 2022-02-23. Review status: criteria provided, single submitter. Criteria: GeneDx Variant Classification Process June 2021. Collection method: clinical testing. Allele origin: germline. Affected: yes.
Comment: Has not been previously published as pathogenic or benign to our knowledge; Not observed at significant frequency in large population cohorts (gnomAD); In silico analysis supports that this missense variant does not alter protein structure/function